The following is an entry in ClinVar:

ClinVar aggregate classification (germline): Uncertain significance (1 of 4 stars; one submission).

Conditions:
Temtamy preaxial brachydactyly syndrome (TPBS). Identifiers: Orphanet 363417, MedGen C1854466, MONDO:0011533, OMIM 605282.

Allele frequency attached by ClinVar (database versions not stated): TOPMed below 0.00001; gnomAD 0.00001; gnomAD exomes 0.00001.
gnomAD v4.1: 6 of 1,614,076 alleles (0.00037%); highest among the groups gnomAD compares: Admixed American, 0.01%; no homozygotes.

Submission:

Labcorp Genetics (formerly Invitae), Labcorp
Classification: Uncertain significance for Temtamy preaxial brachydactyly syndrome. Last evaluated: 2021-12-19. Review status: criteria provided, single submitter. Criteria: Invitae Variant Classification Sherloc (09022015). Collection method: clinical testing. Allele origin: germline.
Comment: In summary, the available evidence is currently insufficient to determine the role of this variant in disease. Therefore, it has been classified as a Variant of Uncertain Significance. Algorithms developed to predict the effect of missense changes on protein structure and function are either unavailable or do not agree on the potential impact of this missense change (SIFT: "Deleterious"; PolyPhen-2: "Possibly Damaging"; Align-GVGD: "Class C0"). This variant has not been reported in the literature in individuals affected with CHSY1-related conditions. The frequency data for this variant in the population databases is considered unreliable, as metrics indicate poor data quality at this position in the gnomAD database. This sequence change replaces arginine, which is basic and polar, with glycine, which is neutral and non-polar, at codon 395 of the CHSY1 protein (p.Arg395Gly).

NM_014918.5(CHSY1):c.1183A>G (p.Arg395Gly)

Gene: CHSY1 (chondroitin sulfate synthase 1; minus strand). Cytogenetic location: 15q26.3.
Variant type: single nucleotide variant.
Coding change: c.1183A>G on transcript NM_014918.5 (MANE Select); coding-DNA position 1183, A replaced by G.
Protein change: p.Arg395Gly; replaces arginine 395 with glycine.
Molecular consequence: missense variant.
Genome position (GRCh38, 1-based): chr15:101,178,614, T>C on the plus strand (A>G on the coding strand, the complement: CHSY1 is on the minus strand). VCF-style: chr15-101178614-T-C. GRCh37 (hg19) VCF-style: chr15-101718819-T-C.
Other names: short protein forms R395G.
Identifiers: ClinVar variation 2420387 (VCV002420387.2), dbSNP rs1201525406, ClinGen allele CA393962079.